The following is an entry in ClinVar:

ClinVar aggregate classification (germline): Likely benign (1 of 4 stars; one submission).

Submission:

CeGaT Center for Human Genetics Tuebingen
Classification: Likely benign. Last evaluated: 2026-04-01. Review status: criteria provided, single submitter. Criteria: CeGaT Center For Human Genetics Tuebingen Variant Classification Criteria Version 2. Collection method: clinical testing. Allele origin: germline. Affected: yes. Observed: 2 variant alleles.
Comment: PPIAL4A: PM2:Supporting, BP4, BP7

NM_001123068.3(PPIAL4G):c.219= (p.Thr73=)

Gene: PPIAL4G (peptidylprolyl isomerase A like 4G; minus strand). Cytogenetic location: 1q21.2.
Variant type: Variation.
Coding change: c.219= on transcript NM_001123068.3 (MANE Select); coding-DNA position 219, no change from the reference sequence.
Protein change: p.Thr73=; no amino-acid change (threonine 73 retained).
Molecular consequence: no sequence alteration.
Genome position: GRCh38 VCF-style: chr1-148483034-G-G. GRCh37 (hg19) VCF-style: chr1-147955126-A-G.
Identifiers: ClinVar variation 2639127 (VCV002639127.24).
Genomic context (GRCh38, chr1:148,483,034, plus strand): 5'-TGTATGCTTTCGGATGAGGTTCTCATCATCAAATTTCTCCCCATAGATGGACTTGTCACC[G=]GTGCCATTAGGGTGTGTGAAGTCACCACCCTGACACATAAACCCTGGAATAATTCTGTGA-3'
Protein context (NP_001116540.1, residues 63-83): QGGDFTHPNG[Thr73=]GDKSIYGEKF